The following is an entry in ClinVar:

NM_001041.4(SI):c.3371G>A (p.Arg1124Gln)

Gene: SI (sucrase-isomaltase; minus strand). Cytogenetic location: 3q26.1.
Variant type: single nucleotide variant.
Coding change: c.3371G>A on transcript NM_001041.4 (MANE Select); coding-DNA position 3371, G replaced by A.
Protein change: p.Arg1124Gln; replaces arginine 1124 with glutamine.
Molecular consequence: missense variant.
Genome position (GRCh38, 1-based): chr3:165,019,654, C>T on the plus strand (G>A on the coding strand, the complement: SI is on the minus strand). VCF-style: chr3-165019654-C-T. GRCh37 (hg19) VCF-style: chr3-164737442-C-T.
Other names: c.3371G>A (NM_001041.3); short protein forms R1124Q.
Identifiers: ClinVar variation 1434606 (VCV001434606.5), dbSNP rs201739571, ClinGen allele CA2690298.

ClinVar aggregate classification (germline): Uncertain significance. Review status: criteria provided, multiple submitters, no conflicts (2 of 4 stars). 2 submissions from 2 submitters: Uncertain significance (2). Last evaluated 2025-06-22.

Conditions:
Inborn genetic diseases. Identifiers: MedGen C0950123, MeSH D030342.

Allele frequency attached by ClinVar (database versions not stated): ExAC 0.00003; gnomAD exomes 0.00004 and 0.00016; TOPMed 0.00007; gnomAD 0.00009 and 0.00010.
gnomAD v4.1: 249 of 1,612,446 alleles (0.015%); highest among the groups gnomAD compares: Non-Finnish European, 0.02%; no homozygotes.

Submissions (2):

Labcorp Genetics (formerly Invitae), Labcorp
Classification: Uncertain significance. Last evaluated: 2025-06-22. Review status: criteria provided, single submitter. Criteria: Invitae Variant Classification Sherloc (09022015). Collection method: clinical testing. Allele origin: germline.
Comment: This sequence change replaces arginine, which is basic and polar, with glutamine, which is neutral and polar, at codon 1124 of the SI protein (p.Arg1124Gln). The frequency data for this variant in the population databases is considered unreliable, as metrics indicate poor data quality at this position in the gnomAD database. This variant has not been reported in the literature in individuals affected with SI-related conditions. ClinVar contains an entry for this variant (Variation ID: 1434606). Invitae Evidence Modeling of protein sequence and biophysical properties (such as structural, functional, and spatial information, amino acid conservation, physicochemical variation, residue mobility, and thermodynamic stability) indicates that this missense variant is not expected to disrupt SI protein function with a negative predictive value of 95%. In summary, the available evidence is currently insufficient to determine the role of this variant in disease. Therefore, it has been classified as a Variant of Uncertain Significance.

Ambry Genetics
Classification: Uncertain significance for Inborn genetic diseases. Last evaluated: 2025-03-11. Review status: criteria provided, single submitter. Criteria: Ambry Variant Classification Scheme 2023. Collection method: clinical testing. Allele origin: germline.